The following is an entry in ClinVar:

NM_000090.4(COL3A1):c.3626G>C (p.Gly1209Ala)

Gene: COL3A1 (collagen type III alpha 1 chain; plus strand). Cytogenetic location: 2q32.2.
Variant type: single nucleotide variant.
Coding change: c.3626G>C on transcript NM_000090.4 (MANE Select); coding-DNA position 3626, G replaced by C.
Protein change: p.Gly1209Ala; replaces glycine 1209 with alanine.
Molecular consequence: missense variant.
Genome position (GRCh38, 1-based): chr2:189,009,024, G>C. VCF-style: chr2-189009024-G-C. GRCh37 (hg19) VCF-style: chr2-189873750-G-C.
Other names: short protein forms G1209A.
Identifiers: ClinVar variation 225283 (VCV000225283.23), dbSNP rs374452484, ClinGen allele CA076211.

ClinVar aggregate classification (germline): Conflicting classifications of pathogenicity. Review status: criteria provided, conflicting classifications (1 of 4 stars). 5 submissions from 5 submitters: Uncertain significance (4); Likely benign (1). Last evaluated 2026-01-29.

Conditions:
Familial thoracic aortic aneurysm and aortic dissection (TAAD). Also called: Thoracic aortic aneurysms and dissections. Identifiers: Orphanet 91387, MedGen C4707243, MONDO:0019625.
Ehlers-Danlos syndrome, type 4 (EDSVASC). Also called: Ehlers-Danlos syndrome vascular type; Ehlers Danlos syndrome, ecchymotic type; Ehlers Danlos syndrome, arterial type; Ehlers Danlos syndrome, Sack-Barabas type; Ehlers-Danlos Syndrome Type IV. Identifiers: Orphanet 286, MedGen C0268338, MONDO:0017314, OMIM 130050.

Allele frequency attached by ClinVar (database versions not stated): gnomAD 0.00001; TOPMed 0.00002; ESP Exome Variant Server 0.00008.
gnomAD v4.1: 21 of 1,614,060 alleles (0.0013%); highest among the groups gnomAD compares: Non-Finnish European, 0.0017%; no homozygotes.

Submissions (5):

Labcorp Genetics (formerly Invitae), Labcorp
Classification: Uncertain significance for Ehlers-Danlos syndrome, type 4. Last evaluated: 2026-01-29. Review status: criteria provided, single submitter. Criteria: Invitae Variant Classification Sherloc (09022015). Collection method: clinical testing. Allele origin: germline.
Comment: This sequence change replaces glycine, which is neutral and non-polar, with alanine, which is neutral and non-polar, at codon 1209 of the COL3A1 protein (p.Gly1209Ala). This variant is present in population databases (rs374452484, gnomAD 0.004%). This missense change has been observed in individual(s) with adolescent idiopathic scoliosis (PMID: 26566670). ClinVar contains an entry for this variant (Variation ID: 225283). Invitae Evidence Modeling of protein sequence and biophysical properties (such as structural, functional, and spatial information, amino acid conservation, physicochemical variation, residue mobility, and thermodynamic stability) indicates that this missense variant is not expected to disrupt COL3A1 protein function with a negative predictive value of 95%. In summary, the available evidence is currently insufficient to determine the role of this variant in disease. Therefore, it has been classified as a Variant of Uncertain Significance.

All of Us Research Program, National Institutes of Health
Classification: Uncertain significance for Ehlers-Danlos syndrome, type 4. Last evaluated: 2024-03-24. Review status: criteria provided, single submitter. Criteria: ACMG Guidelines, 2015. Collection method: clinical testing. Allele origin: germline. Inheritance: Autosomal dominant inheritance. Observed: 7 variant alleles, 7 heterozygotes.
Comment: This missense variant replaces glycine with alanine at codon 1209 of the COL3A1 protein. Computational prediction suggests that this variant may not impact protein structure and function (internally defined REVEL score threshold <= 0.5, PMID: 27666373). Splice site prediction tools suggest that this variant may not impact RNA splicing. To our knowledge, functional studies have not been performed for this variant. This variant has not been reported in individuals affected with cardiovascular disorders in the literature. This variant has been identified in 7/251388 chromosomes in the general population by the Genome Aggregation Database (gnomAD). The available evidence is insufficient to determine the role of this variant in disease conclusively. Therefore, this variant is classified as a Variant of Uncertain Significance.

This study involves interpretation of variants in research participants for the purpose of population health screening. Participant phenotype was not available at the time of variant classification. Additional details can be found in publication PMID: 35346344, PMCID: PMC8962531

Color Diagnostics, LLC DBA Color Health
Classification: Uncertain significance for Familial thoracic aortic aneurysm and aortic dissection. Last evaluated: 2024-02-16. Review status: criteria provided, single submitter. Criteria: ACMG Guidelines, 2015. Collection method: clinical testing. Allele origin: germline.
Comment: This missense variant replaces glycine with alanine at codon 1209 of the COL3A1 protein. Computational prediction suggests that this variant may not impact protein structure and function (internally defined REVEL score threshold <= 0.5, PMID: 27666373). To our knowledge, functional studies have not been reported for this variant. This variant has not been reported in individuals affected with COL3A1-related disorders in the literature. This variant has been identified in 7/251388 chromosomes in the general population by the Genome Aggregation Database (gnomAD). The available evidence is insufficient to determine the role of this variant in disease conclusively. Therefore, this variant is classified as a Variant of Uncertain Significance.

GeneDx
Classification: Uncertain significance. Last evaluated: 2020-08-20. Review status: criteria provided, single submitter. Criteria: GeneDx Variant Classification Process June 2021. Collection method: clinical testing. Allele origin: germline. Affected: yes.
Comment: In silico analysis supports that this missense variant does not alter protein structure/function; Has not been previously published as pathogenic or benign to our knowledge; Not located in the triple helical region, where the majority of pathogenic missense variants occur (Stenson et al., 2014)

CSER _CC_NCGL, University of Washington
Classification: Likely benign for Ehlers-Danlos syndrome, type 4. Last evaluated: 2015-12-01. Review status: criteria provided, single submitter. Criteria: Amendola et al. (Genome Res. 2015). Collection method: research. Allele origin: germline. Inheritance: Autosomal dominant inheritance. Study: CSER - NEXT Medicine variant annotation.
Comment: No known history of clinical features of vascular Ehlers Danlos syndrome. Studies at the University of Washington, Collagen Diagnostic Laboratory could not show that variants in this region results in a difference in the amount of type III procollagen secreted or in the rate of chain assembly..GERP=4.65.ExAC Alt Allele Frequencies=AFR:0.0%,NFE:0.004%,EAS:0.0%,SAS:0.0%,FIN:0.0%,AMR:0.0%,OTH:0.0%.

Literature cited by the submitters: PubMed 26566670 (cited by Labcorp Genetics (formerly Invitae), Labcorp).